The following is an entry in ClinVar:

NM_015355.4(SUZ12):c.1594A>G (p.Arg532Gly)

Gene: SUZ12 (SUZ12 polycomb repressive complex 2 subunit; plus strand). Cytogenetic location: 17q11.2.
Variant type: single nucleotide variant.
Coding change: c.1594A>G on transcript NM_015355.4 (MANE Select); coding-DNA position 1594, A replaced by G.
Protein change: p.Arg532Gly; replaces arginine 532 with glycine.
Molecular consequence: missense variant.
Genome position (GRCh38, 1-based): chr17:31,994,720, A>G. VCF-style: chr17-31994720-A-G. GRCh37 (hg19) VCF-style: chr17-30321739-A-G.
Other names: c.1525A>G, p.Arg509Gly (NM_001321207.2); short protein forms R509G, R532G.
Identifiers: ClinVar variation 2629976 (VCV002629976.1), dbSNP rs2508682024, ClinGen allele CA399033343.

ClinVar aggregate classification (germline): Uncertain significance (1 of 4 stars; one submission).

Conditions:
SUZ12-related disorder. Also called: SUZ12-related condition.

Submission:

PreventionGenetics, part of Exact Sciences
Classification: Uncertain significance for SUZ12-related condition. Last evaluated: 2022-12-27. Review status: criteria provided, single submitter. Criteria: ACMG Guidelines, 2015. Collection method: clinical testing. Allele origin: germline.
Comment: The SUZ12 c.1594A>G variant is predicted to result in the amino acid substitution p.Arg532Gly. To our knowledge, this variant has not been reported in the literature or in a large population database, indicating this variant is rare. At this time, the clinical significance of this variant is uncertain due to the absence of conclusive functional and genetic evidence.